The following is an entry in ClinVar:

NM_013432.5(TONSL):c.2291C>A (p.Ala764Asp)

Genes: TONSL (tonsoku like, DNA repair protein; minus strand), TONSL-AS1 (TONSL antisense RNA 1; plus strand). Cytogenetic location: 8q24.3.
Variant type: single nucleotide variant.
Coding change: c.2291C>A on transcript NM_013432.5 (MANE Select); coding-DNA position 2291, C replaced by A.
Protein change: p.Ala764Asp; replaces alanine 764 with aspartic acid.
Molecular consequence: missense variant.
Genome position (GRCh38, 1-based): chr8:144,436,142, G>T on the plus strand (C>A on the coding strand, the complement: TONSL is on the minus strand). VCF-style: chr8-144436142-G-T. GRCh37 (hg19) VCF-style: chr8-145661525-G-T.
Other names: c.2291C>A (NM_013432.4); short protein forms A764D.
Identifiers: ClinVar variation 1402747 (VCV001402747.8), dbSNP rs374878445, ClinGen allele CA4942861.

ClinVar aggregate classification (germline): Uncertain significance. Review status: criteria provided, multiple submitters, no conflicts (2 of 4 stars). 2 submissions from 2 submitters: Uncertain significance (2). Last evaluated 2025-01-13.

Conditions:
Inborn genetic diseases. Identifiers: MedGen C0950123, MeSH D030342.

Allele frequency attached by ClinVar (database versions not stated): gnomAD exomes 0.00007; gnomAD 0.00022 and 0.00024; ExAC 0.00023; TOPMed 0.00029; ESP Exome Variant Server 0.00039.
gnomAD v4.1: 69 of 1,564,934 alleles (0.0044%); highest among the groups gnomAD compares: African/African-American, 0.071%; no homozygotes.

Submissions (2):

Labcorp Genetics (formerly Invitae), Labcorp
Classification: Uncertain significance. Last evaluated: 2025-01-13. Review status: criteria provided, single submitter. Criteria: Invitae Variant Classification Sherloc (09022015). Collection method: clinical testing. Allele origin: germline.
Comment: This sequence change replaces alanine, which is neutral and non-polar, with aspartic acid, which is acidic and polar, at codon 764 of the TONSL protein (p.Ala764Asp). This variant is present in population databases (rs374878445, gnomAD 0.09%). This variant has not been reported in the literature in individuals affected with TONSL-related conditions. ClinVar contains an entry for this variant (Variation ID: 1402747). Invitae Evidence Modeling of protein sequence and biophysical properties (such as structural, functional, and spatial information, amino acid conservation, physicochemical variation, residue mobility, and thermodynamic stability) indicates that this missense variant is not expected to disrupt TONSL protein function with a negative predictive value of 80%. In summary, the available evidence is currently insufficient to determine the role of this variant in disease. Therefore, it has been classified as a Variant of Uncertain Significance.

Ambry Genetics
Classification: Uncertain significance for Inborn genetic diseases. Last evaluated: 2021-10-14. Review status: criteria provided, single submitter. Criteria: Ambry Variant Classification Scheme 2023. Collection method: clinical testing. Allele origin: germline.